The following is an entry in ClinVar:

ClinVar aggregate classification (germline): Uncertain significance (1 of 4 stars; one submission).

Submission:

Labcorp Genetics (formerly Invitae), Labcorp
Classification: Uncertain significance. Last evaluated: 2025-10-01. Review status: criteria provided, single submitter. Criteria: Invitae Variant Classification Sherloc (09022015). Collection method: clinical testing. Allele origin: germline.
Comment: This sequence change creates a premature translational stop signal (p.His68Profs*4) in the ATPAF2 gene. It is expected to result in an absent or disrupted protein product. However, the current clinical and genetic evidence is not sufficient to establish whether loss-of-function variants in ATPAF2 cause disease. This variant is not present in population databases (gnomAD no frequency). This variant has not been reported in the literature in individuals affected with ATPAF2-related conditions. In summary, the available evidence is currently insufficient to determine the role of this variant in disease. Therefore, it has been classified as a Variant of Uncertain Significance.

NM_145691.4(ATPAF2):c.203del (p.His68fs)

Gene: ATPAF2 (ATP synthase mitochondrial F1 complex assembly factor 2; minus strand). Cytogenetic location: 17p11.2.
Variant type: Deletion.
Coding change: c.203del on transcript NM_145691.4 (MANE Select); coding-DNA position 203, one base deleted (A; older notation c.203delA).
Protein change: p.His68fs; shifts the reading frame from histidine 68.
Molecular consequence: frameshift variant.
Genome position (GRCh38, 1-based): chr17:18,028,353, T deleted on the plus strand (A on the coding strand, the reverse complement: ATPAF2 is on the minus strand). VCF-style (leftmost placement, unchanged base first): chr17-18028352-GT-G. GRCh37 (hg19) VCF-style: chr17-17931666-GT-G.
Other names: short protein forms H68fs.
Identifiers: ClinVar variation 4690579 (VCV004690579.1).